The following is an entry in ClinVar:

ClinVar aggregate classification (germline): Benign/Likely benign. Review status: criteria provided, multiple submitters, no conflicts (2 of 4 stars). 3 submissions from 3 submitters: Benign (1); Likely benign (2). Last evaluated 2026-07-01.

Conditions:
Sessile serrated polyposis cancer syndrome (SSPCS). Identifiers: Orphanet 157798, MedGen C4310714, MONDO:0014919, OMIM 617108.

Allele frequency attached by ClinVar (database versions not stated): TOPMed 0.00002; gnomAD 0.00001; gnomAD exomes below 0.00001 and 0.00001.
gnomAD v4.1: 6 of 1,613,436 alleles (0.00037%); highest among the groups gnomAD compares: Admixed American, 0.0067%; no homozygotes.

Submissions (3):

Myriad Genetics, Inc.
Classification: Benign for Sessile serrated polyposis cancer syndrome. Last evaluated: 2026-07-01. Review status: criteria provided, single submitter. Criteria: Myriad Autosomal Dominant, Autosomal Recessive and X-Linked Classification Criteria (2023). Collection method: clinical testing. Allele origin: unknown.
Comment: This variant is considered benign. This variant is a silent/synonymous amino acid change and it is not expected to impact splicing.

Labcorp Genetics (formerly Invitae), Labcorp
Classification: Likely benign. Last evaluated: 2025-07-02. Review status: criteria provided, single submitter. Criteria: Invitae Variant Classification Sherloc (09022015). Collection method: clinical testing. Allele origin: germline.

Ambry Genetics
Classification: Likely benign. Last evaluated: 2024-11-22. Review status: criteria provided, single submitter. Criteria: Ambry Variant Classification Scheme 2023. Collection method: clinical testing. Allele origin: germline.

NM_017763.6(RNF43):c.1254G>A (p.Leu418=)

Gene: RNF43 (ring finger protein 43; minus strand). Cytogenetic location: 17q22.
Variant type: single nucleotide variant.
Coding change: c.1254G>A on transcript NM_017763.6 (MANE Select); coding-DNA position 1254, G replaced by A.
Protein change: p.Leu418=; no amino-acid change (leucine 418 retained).
Molecular consequence: synonymous variant.
Genome position (GRCh38, 1-based): chr17:58,358,522, C>T on the plus strand (G>A on the coding strand, the complement: RNF43 is on the minus strand). VCF-style: chr17-58358522-C-T. GRCh37 (hg19) VCF-style: chr17-56435883-C-T.
Other names: c.1254G>A, p.Leu418= (NM_001305544.3); c.873G>A, p.Leu291= (NM_001305545.2).
Identifiers: ClinVar variation 1122109 (VCV001122109.11), dbSNP rs1376843189, ClinGen allele CA501325152.